The following is an entry in ClinVar:

ClinVar aggregate classification (germline): Benign (1 of 4 stars; one submission).

Conditions:
Intellectual developmental disorder, X-linked 93. Also called: Intellectual disability, X-linked 93; MENTAL RETARDATION, X-LINKED, WITH MACROCEPHALY. Identifiers: MedGen C1970841, MONDO:0010393, OMIM 300659.

Allele frequency attached by ClinVar (database versions not stated): gnomAD 0.00163 and 0.00153; TOPMed 0.00154; 1000 Genomes Project 0.00132; 1000 Genomes Project 30x 0.00125.
gnomAD v4.1: 169 of 111,580 alleles (0.15%); highest among the groups gnomAD compares: African/African-American, 0.52%; no homozygotes.

Submission:

Illumina Laboratory Services, Illumina
Classification: Benign for Intellectual developmental disorder, X-linked 93. Last evaluated: 2018-01-13. Review status: criteria provided, single submitter. Criteria: ICSL Variant Classification Criteria 13 December 2019. Collection method: clinical testing. Allele origin: germline.
Comment: This variant was observed in the ICSL laboratory as part of a predisposition screen in an ostensibly healthy population. It had not been previously curated by ICSL or reported in the Human Gene Mutation Database (HGMD: prior to June 1st, 2018), and was therefore a candidate for classification through an automated scoring system. Utilizing variant allele frequency, disease prevalence and penetrance estimates, and inheritance mode, an automated score was calculated to assess if this variant is too frequent to cause the disease. Based on the score and internal cut-off values, a variant classified as benign is not then subjected to further curation. The score for this variant resulted in a classification of benign for this disease.

NM_153252.5(BRWD3):c.*3447G>A

Gene: BRWD3 (bromodomain and WD repeat domain containing 3; minus strand). Cytogenetic location: Xq21.1.
Variant type: single nucleotide variant.
Coding change: c.*3447G>A on transcript NM_153252.5 (MANE Select); 3447 bases downstream of the stop codon, G replaced by A.
Molecular consequence: 3 prime UTR variant.
Genome position (GRCh38, 1-based): chrX:80,673,162, C>T on the plus strand (G>A on the coding strand, the complement: BRWD3 is on the minus strand). VCF-style: chrX-80673162-C-T. GRCh37 (hg19) VCF-style: chrX-79928661-C-T.
Identifiers: ClinVar variation 914212 (VCV000914212.4), dbSNP rs767696195, ClinGen allele CA331835515.
Genomic context (GRCh38, chrX:80,673,162, plus strand): 5'-AAAAAGATAAATAACAGAAACGTACTTAAAAGTATTAGAAGGCTGAGTTAAATATCTGAG[C>T]GCACAGTTGTGCAGAATGAGATTTCTAATTTTACTCAGTTACTTTGTTACTTTGCATCTG-3'